The following is an entry in ClinVar:

NM_015378.4(VPS13D):c.11061C>T (p.Leu3687=)

Gene: VPS13D (vacuolar protein sorting 13 homolog D; plus strand). Cytogenetic location: 1p36.22.
Variant type: single nucleotide variant.
Coding change: c.11061C>T on transcript NM_015378.4 (MANE Select); coding-DNA position 11061, C replaced by T.
Protein change: p.Leu3687=; no amino-acid change (leucine 3687 retained).
Molecular consequence: synonymous variant.
Genome position (GRCh38, 1-based): chr1:12,378,571, C>T. VCF-style: chr1-12378571-C-T. GRCh37 (hg19) VCF-style: chr1-12438625-C-T.
Other names: c.10986C>T, p.Leu3662= (NM_018156.4); c.11061C>T (NM_015378.3).
Identifiers: ClinVar variation 1601442 (VCV001601442.11), dbSNP rs144641446, ClinGen allele CA603847.

ClinVar aggregate classification (germline): Benign/Likely benign. Review status: criteria provided, multiple submitters, no conflicts (2 of 4 stars). 3 submissions from 3 submitters: Benign (1); Likely benign (1). 1 of the submissions does not count toward it. Last evaluated 2025-10-01.

Conditions:
VPS13D-related disorder. Also called: VPS13D-related condition.

Allele frequency attached by ClinVar (database versions not stated): gnomAD exomes 0.00034; ExAC 0.00039; 1000 Genomes Project 0.00100; ESP Exome Variant Server 0.00100; 1000 Genomes Project 30x 0.00109; gnomAD 0.00109 and 0.00123; TOPMed 0.00132.
gnomAD v4.1: 292 of 1,588,314 alleles (0.018%); highest among the groups gnomAD compares: African/African-American, 0.34%; no homozygotes.

Submissions (3):

Labcorp Genetics (formerly Invitae), Labcorp
Classification: Benign. Last evaluated: 2025-10-01. Review status: criteria provided, single submitter. Criteria: Invitae Variant Classification Sherloc (09022015). Collection method: clinical testing. Allele origin: germline.

Blueprint Genetics
Classification: Likely benign. Last evaluated: 2024-07-05. Review status: criteria provided, single submitter. Criteria: ACMG Guidelines, 2015. Collection method: clinical testing. Allele origin: germline.

PreventionGenetics, part of Exact Sciences
Classification: Likely benign for VPS13D-related condition. Last evaluated: 2019-09-30. Review status: no assertion criteria provided. Collection method: clinical testing. Allele origin: germline. Not counted in ClinVar's aggregate classification.
Comment: This variant is classified as likely benign based on ACMG/AMP sequence variant interpretation guidelines (Richards et al. 2015 PMID: 25741868, with internal and published modifications).